The following is an entry in ClinVar:

ClinVar aggregate classification (germline): Likely pathogenic (1 of 4 stars; one submission).

Conditions:
Multiple mitochondrial dysfunctions syndrome 3 (MMDS3). Identifiers: Orphanet 363424, MedGen C3809165, MONDO:0014132, OMIM 615330.
Hereditary spastic paraplegia 74. Also called: Spastic paraplegia 74, autosomal recessive. Identifiers: Orphanet 468661, MedGen C5568837, MONDO:0014644, OMIM 616451.

Submission:

Labcorp Genetics (formerly Invitae), Labcorp
Classification: Likely pathogenic for Multiple mitochondrial dysfunctions syndrome 3; Hereditary spastic paraplegia 74. Last evaluated: 2022-07-18. Review status: criteria provided, single submitter. Criteria: Invitae Variant Classification Sherloc (09022015). Collection method: clinical testing. Allele origin: germline.
Comment: In summary, the currently available evidence indicates that the variant is pathogenic, but additional data are needed to prove that conclusively. Therefore, this variant has been classified as Likely Pathogenic. Algorithms developed to predict the effect of sequence changes on RNA splicing suggest that this variant may disrupt the consensus splice site. ClinVar contains an entry for this variant (Variation ID: 948465). This variant has not been reported in the literature in individuals affected with IBA57-related conditions. This variant is not present in population databases (gnomAD no frequency). This sequence change affects a donor splice site in intron 1 of the IBA57 gene. It is expected to disrupt RNA splicing. Variants that disrupt the donor or acceptor splice site typically lead to a loss of protein function (PMID: 16199547), and loss-of-function variants in IBA57 are known to be pathogenic (PMID: 23462291, 25971455, 27785568, 28671726).

Literature cited by the submitters: PubMed 16199547; PubMed 23462291; PubMed 25971455; PubMed 27785568; PubMed 28671726.

NM_001010867.4(IBA57):c.341+1G>A

Gene: IBA57 (iron-sulfur cluster assembly factor IBA57; plus strand). Cytogenetic location: 1q42.13.
Variant type: single nucleotide variant.
Coding change: c.341+1G>A on transcript NM_001010867.4 (MANE Select); the canonical splice donor site of the intron after coding-DNA position 341, G replaced by A.
Molecular consequence: splice donor variant.
Genome position (GRCh38, 1-based): chr1:228,166,158, G>A. VCF-style: chr1-228166158-G-A. GRCh37 (hg19) VCF-style: chr1-228353859-G-A.
Identifiers: ClinVar variation 948465 (VCV000948465.8), dbSNP rs1250537283, ClinGen allele CA345106935.